The following is an entry in ClinVar:

ClinVar aggregate classification (germline): Uncertain significance (1 of 4 stars; one submission).

Conditions:
Cardiovascular phenotype. Identifiers: MedGen CN230736.

gnomAD v4.1: 1 of 1,613,060 alleles (0.000062%); highest among the groups gnomAD compares: Non-Finnish European, 0.000085%; no homozygotes.

Submission:

Ambry Genetics
Classification: Uncertain significance for Cardiovascular phenotype. Last evaluated: 2025-10-25. Review status: criteria provided, single submitter. Criteria: Ambry Variant Classification Scheme 2023. Collection method: clinical testing. Allele origin: germline.
Comment: The p.R113H variant (also known as c.338G>A), located in coding exon 2 of the JAG1 gene, results from a G to A substitution at nucleotide position 338. The arginine at codon 113 is replaced by histidine, an amino acid with highly similar properties. This amino acid position is conserved. In addition, the in silico prediction for this alteration is inconclusive. Based on the available evidence, the clinical significance of this variant remains unclear.

NM_000214.3(JAG1):c.338G>A (p.Arg113His)

Gene: JAG1 (jagged canonical Notch ligand 1; minus strand). Cytogenetic location: 20p12.2.
Variant type: single nucleotide variant.
Coding change: c.338G>A on transcript NM_000214.3 (MANE Select); coding-DNA position 338, G replaced by A.
Protein change: p.Arg113His; replaces arginine 113 with histidine.
Molecular consequence: missense variant.
Genome position (GRCh38, 1-based): chr20:10,672,750, C>T on the plus strand (G>A on the coding strand, the complement: JAG1 is on the minus strand). VCF-style: chr20-10672750-C-T. GRCh37 (hg19) VCF-style: chr20-10653398-C-T.
Other names: short protein forms R113H.
Identifiers: ClinVar variation 4614279 (VCV004614279.1).